The following is an entry in ClinVar:

ClinVar aggregate classification (germline): Uncertain significance (1 of 4 stars; one submission).

gnomAD v4.1: 1 of 1,613,838 alleles (0.000062%); highest among the groups gnomAD compares: Non-Finnish European, 0.000085%; no homozygotes.

Submission:

GeneDx
Classification: Uncertain significance. Last evaluated: 2024-05-30. Review status: criteria provided, single submitter. Criteria: GeneDx Variant Classification Process June 2021. Collection method: clinical testing. Allele origin: germline. Affected: yes.
Comment: Identified in a patient with a developmental disorder from a large cohort, however, specific clinical information was not provided (PMID: 33057194); Not observed at significant frequency in large population cohorts (gnomAD); In silico analysis indicates that this missense variant does not alter protein structure/function; This variant is associated with the following publications: (PMID: 33057194, 35982159)

NM_003221.4(TFAP2B):c.1366G>A (p.Glu456Lys)

Gene: TFAP2B (transcription factor AP-2 beta; plus strand). Cytogenetic location: 6p12.3.
Variant type: single nucleotide variant.
Coding change: c.1366G>A on transcript NM_003221.4 (MANE Select); coding-DNA position 1366, G replaced by A.
Protein change: p.Glu456Lys; replaces glutamic acid 456 with lysine.
Molecular consequence: missense variant.
Genome position (GRCh38, 1-based): chr6:50,843,375, G>A. VCF-style: chr6-50843375-G-A. GRCh37 (hg19) VCF-style: chr6-50811088-G-A.
Other names: short protein forms E456K.
Identifiers: ClinVar variation 3383443 (VCV003383443.1).
Genomic context (GRCh38, chr6:50,843,375, plus strand): 5'-ACCACCACTAACAGGCACACGTCTGGGGAAGGCCCAGGTAGTAAAACTGGCGACAAGGAG[G>A]AGAAACACAGGAAATGAAAAATTTTTAAAAAAAGAAGGAAAAATGTTTTAAATACAAAAG-3'
Protein context (NP_003212.2, residues 446-460): GPGSKTGDKE[Glu456Lys]KHRK